The following is an entry in ClinVar:

NM_005530.3(IDH3A):c.427G>A (p.Val143Met)

Gene: IDH3A (isocitrate dehydrogenase (NAD(+)) 3 catalytic subunit alpha; plus strand). Cytogenetic location: 15q25.1.
Variant type: single nucleotide variant.
Coding change: c.427G>A on transcript NM_005530.3 (MANE Select); coding-DNA position 427, G replaced by A.
Protein change: p.Val143Met; replaces valine 143 with methionine.
Molecular consequence: missense variant.
Genome position (GRCh38, 1-based): chr15:78,161,718, G>A. VCF-style: chr15-78161718-G-A. GRCh37 (hg19) VCF-style: chr15-78454060-G-A.
Other names: short protein forms V143M.
Identifiers: ClinVar variation 1036729 (VCV001036729.10), dbSNP rs371604164, ClinGen allele CA7680564.
Genomic context (GRCh38, chr15:78,161,718, plus strand): 5'-AATGTCCGACCATGTGTCTCTATCGAAGGCTATAAAACCCCTTACACCGATGTAAATATT[G>A]TGACCATTCGAGAGAACACAGAAGGAGAATACAGTGGAATTGAGCATGTGGTATGTTCAC-3'
Protein context (NP_005521.1, residues 133-153): YKTPYTDVNI[Val143Met]TIRENTEGEY

ClinVar aggregate classification (germline): Uncertain significance. Review status: criteria provided, multiple submitters, no conflicts (2 of 4 stars). 2 submissions from 2 submitters: Uncertain significance (2). Last evaluated 2022-11-24.

Allele frequency attached by ClinVar (database versions not stated): gnomAD exomes below 0.00001; TOPMed below 0.00001; ExAC 0.00001; gnomAD 0.00001; ESP Exome Variant Server 0.00008.
gnomAD v4.1: 3 of 1,613,994 alleles (0.00019%); highest among the groups gnomAD compares: Non-Finnish European, 0.00025%; no homozygotes.

Submissions (2):

Blueprint Genetics
Classification: Uncertain significance. Last evaluated: 2022-11-24. Review status: criteria provided, single submitter. Criteria: ACMG Guidelines, 2015. Collection method: clinical testing. Allele origin: germline.

Labcorp Genetics (formerly Invitae), Labcorp
Classification: Uncertain significance. Last evaluated: 2020-02-26. Review status: criteria provided, single submitter. Criteria: Invitae Variant Classification Sherloc (09022015). Collection method: clinical testing. Allele origin: germline.
Comment: This sequence change replaces valine with methionine at codon 143 of the IDH3A protein (p.Val143Met). The valine residue is highly conserved and there is a small physicochemical difference between valine and methionine. This variant is present in population databases (rs371604164, ExAC 0.001%). This variant has not been reported in the literature in individuals with IDH3A-related conditions. Algorithms developed to predict the effect of missense changes on protein structure and function are either unavailable or do not agree on the potential impact of this missense change (SIFT: "Deleterious"; PolyPhen-2: "Probably Damaging"; Align-GVGD: "Class C15"). In summary, the available evidence is currently insufficient to determine the role of this variant in disease. Therefore, it has been classified as a Variant of Uncertain Significance.